The following is an entry in ClinVar:

NM_139057.4(ADAMTS17):c.1385C>T (p.Pro462Leu)

Gene: ADAMTS17 (ADAM metallopeptidase with thrombospondin type 1 motif 17; minus strand). Cytogenetic location: 15q26.3.
Variant type: single nucleotide variant.
Coding change: c.1385C>T on transcript NM_139057.4 (MANE Select); coding-DNA position 1385, C replaced by T.
Protein change: p.Pro462Leu; replaces proline 462 with leucine.
Molecular consequence: missense variant.
Genome position (GRCh38, 1-based): chr15:100,152,700, G>A on the plus strand (C>T on the coding strand, the complement: ADAMTS17 is on the minus strand). VCF-style: chr15-100152700-G-A. GRCh37 (hg19) VCF-style: chr15-100692905-G-A.
Other names: p.Pro462Leu; short protein forms P462L.
Identifiers: ClinVar variation 885618 (VCV000885618.7), dbSNP rs201356815, ClinGen allele CA7758261.

ClinVar aggregate classification (germline): Uncertain significance. Review status: criteria provided, multiple submitters, no conflicts (2 of 4 stars). 3 submissions from 3 submitters: Uncertain significance (3). Last evaluated 2025-07-18.

Conditions:
Weill-Marchesani 4 syndrome, recessive. Also called: Weill-Marchesani syndrome 4. Identifiers: Orphanet 363992, MedGen C2750787, MONDO:0013176, OMIM 613195.

Allele frequency attached by ClinVar (database versions not stated): gnomAD exomes 0.00006; gnomAD 0.00007; TOPMed 0.00007; ExAC 0.00008; ESP Exome Variant Server 0.00015.
gnomAD v4.1: 134 of 1,614,122 alleles (0.0083%); highest among the groups gnomAD compares: East Asian, 0.027%; no homozygotes.

Submissions (3):

Mayo Clinic Laboratories, Mayo Clinic
Classification: Uncertain significance. Last evaluated: 2025-07-18. Review status: criteria provided, single submitter. Criteria: ACMG Guidelines, 2015. Collection method: clinical testing. Allele origin: germline. Observed: 1 variant allele.

Labcorp Genetics (formerly Invitae), Labcorp
Classification: Uncertain significance. Last evaluated: 2022-06-24. Review status: criteria provided, single submitter. Criteria: Invitae Variant Classification Sherloc (09022015). Collection method: clinical testing. Allele origin: germline.
Comment: This sequence change replaces proline, which is neutral and non-polar, with leucine, which is neutral and non-polar, at codon 462 of the ADAMTS17 protein (p.Pro462Leu). This variant is present in population databases (rs201356815, gnomAD 0.01%). This variant has not been reported in the literature in individuals affected with ADAMTS17-related conditions. ClinVar contains an entry for this variant (Variation ID: 885618). Algorithms developed to predict the effect of missense changes on protein structure and function are either unavailable or do not agree on the potential impact of this missense change (SIFT: "Not Available"; PolyPhen-2: "Benign"; Align-GVGD: "Not Available"). In summary, the available evidence is currently insufficient to determine the role of this variant in disease. Therefore, it has been classified as a Variant of Uncertain Significance.

Illumina Laboratory Services, Illumina
Classification: Uncertain significance for Weill-Marchesani 4 syndrome, recessive. Last evaluated: 2018-01-13. Review status: criteria provided, single submitter. Criteria: ICSL Variant Classification Criteria 13 December 2019. Collection method: clinical testing. Allele origin: germline.